The following is an entry in ClinVar:

ClinVar aggregate classification (germline): Uncertain significance (1 of 4 stars; one submission).

Conditions:
Short-rib thoracic dysplasia 8 with or without polydactyly (SRTD8). Also called: SHORT-RIB THORACIC DYSPLASIA 8 WITH POLYDACTYLY. Identifiers: Orphanet 93271, MedGen C3809691, MONDO:0014214, OMIM 615503.

Allele frequency attached by ClinVar (database versions not stated): TOPMed 0.00003; gnomAD 0.00004.
gnomAD v4.1: 71 of 1,604,298 alleles (0.0044%); highest among the groups gnomAD compares: Non-Finnish European, 0.0056%; no homozygotes.

Submission:

Labcorp Genetics (formerly Invitae), Labcorp
Classification: Uncertain significance for Short-rib thoracic dysplasia 8 with or without polydactyly. Last evaluated: 2024-07-09. Review status: criteria provided, single submitter. Criteria: Invitae Variant Classification Sherloc (09022015). Collection method: clinical testing. Allele origin: germline.
Comment: This sequence change replaces aspartic acid, which is acidic and polar, with asparagine, which is neutral and polar, at codon 753 of the WDR60 protein (p.Asp753Asn). This variant also falls at the last nucleotide of exon 17, which is part of the consensus splice site for this exon. This variant is present in population databases (no rsID available, gnomAD 0.005%). This variant has not been reported in the literature in individuals affected with WDR60-related conditions. ClinVar contains an entry for this variant (Variation ID: 2037954). An algorithm developed to predict the effect of missense changes on protein structure and function (PolyPhen-2) suggests that this variant is likely to be tolerated. Variants that disrupt the consensus splice site are a relatively common cause of aberrant splicing (PMID: 17576681, 9536098). Algorithms developed to predict the effect of sequence changes on RNA splicing suggest that this variant may disrupt the consensus splice site. In summary, the available evidence is currently insufficient to determine the role of this variant in disease. Therefore, it has been classified as a Variant of Uncertain Significance.

Literature cited by the submitters: PubMed 17576681; PubMed 9536098.

NM_018051.5(DYNC2I1):c.2257G>A (p.Asp753Asn)

Gene: DYNC2I1 (dynein 2 intermediate chain 1; plus strand). Cytogenetic location: 7q36.3.
Variant type: single nucleotide variant.
Coding change: c.2257G>A on transcript NM_018051.5 (MANE Select); coding-DNA position 2257, G replaced by A.
Protein change: p.Asp753Asn; replaces aspartic acid 753 with asparagine.
Molecular consequence: missense variant.
Genome position (GRCh38, 1-based): chr7:158,923,733, G>A. VCF-style: chr7-158923733-G-A. GRCh37 (hg19) VCF-style: chr7-158716424-G-A.
Other names: c.2119G>A, p.Asp707Asn (NM_001350914.2); c.1684G>A, p.Asp562Asn (NM_001350915.2); c.796G>A, p.Asp266Asn (NM_001350916.2); c.1009G>A, p.Asp337Asn (NM_001350917.2, NM_001350918.2); short protein forms D562N, D266N, D337N, D707N, D753N.
Identifiers: ClinVar variation 2037954 (VCV002037954.3), dbSNP rs1341232072, ClinGen allele CA370179591.
Genomic context (GRCh38, chr7:158,923,733, plus strand): 5'-CATTACTCTGTGACGCTGAGCGATGGCTTCTGGACGTTCCGGACCGCCACGTTTTCCACC[G>A]GTCAGTGTCATCTGCCTGCCAATTGTGTGTCTGCTAGAAAAGCCACACGGATTTGAGGAA-3'
Protein context (NP_060521.4, residues 743-763): WTFRTATFST[Asp753Asn]GILTSVNHRS